The following is an entry in ClinVar:

ClinVar aggregate classification (germline): Uncertain significance (1 of 4 stars; one submission).

Conditions:
Compton-North congenital myopathy (CMYO12). Identifiers: Orphanet 210163, MedGen C2675527, MONDO:0012929, OMIM 612540.

gnomAD v4.1: 10 of 1,598,564 alleles (0.00063%); highest among the groups gnomAD compares: African/African-American, 0.0013%; no homozygotes.

Submission:

Labcorp Genetics (formerly Invitae), Labcorp
Classification: Uncertain significance for Compton-North congenital myopathy. Last evaluated: 2022-05-17. Review status: criteria provided, single submitter. Criteria: Invitae Variant Classification Sherloc (09022015). Collection method: clinical testing. Allele origin: germline.
Comment: This sequence change replaces threonine, which is neutral and polar, with lysine, which is basic and polar, at codon 236 of the CNTN1 protein (p.Thr236Lys). This variant is present in population databases (no rsID available, gnomAD 0.0009%). This variant has not been reported in the literature in individuals affected with CNTN1-related conditions. Advanced modeling of protein sequence and biophysical properties (such as structural, functional, and spatial information, amino acid conservation, physicochemical variation, residue mobility, and thermodynamic stability) performed at Invitae indicates that this missense variant is not expected to disrupt CNTN1 protein function. In summary, the available evidence is currently insufficient to determine the role of this variant in disease. Therefore, it has been classified as a Variant of Uncertain Significance.

NM_001843.4(CNTN1):c.707C>A (p.Thr236Lys)

Gene: CNTN1 (contactin 1; plus strand). Cytogenetic location: 12q12.
Variant type: single nucleotide variant.
Coding change: c.707C>A on transcript NM_001843.4 (MANE Select); coding-DNA position 707, C replaced by A.
Protein change: p.Thr236Lys; replaces threonine 236 with lysine.
Molecular consequence: missense variant.
Genome position (GRCh38, 1-based): chr12:40,933,464, C>A. VCF-style: chr12-40933464-C-A. GRCh37 (hg19) VCF-style: chr12-41327266-C-A.
Other names: c.707C>A, p.Thr236Lys (NM_001256063.2, NM_001256064.2); c.674C>A, p.Thr225Lys (NM_175038.2); short protein forms T225K, T236K.
Identifiers: ClinVar variation 1898550 (VCV001898550.5), dbSNP rs759678214, ClinGen allele CA384422922.
Genomic context (GRCh38, chr12:40,933,464, plus strand): 5'-GAATAACTAATATTGTGCCTAATAATTAGTGGATATTTGTGTTTCTCTTAATATTAGGAA[C>A]AACAAAACCATATCCTGCTGATATTGTAGTTCAGTTCAAGGATGTATATGCATTGATGGG-3'
Protein context (NP_001834.2, residues 226-246): FIPLIPIPER[Thr236Lys]TKPYPADIVV